The following is an entry in ClinVar:

NM_005560.6(LAMA5):c.9063C>T (p.Thr3021=)

Gene: LAMA5 (laminin subunit alpha 5; minus strand). Cytogenetic location: 20q13.33.
Variant type: single nucleotide variant.
Coding change: c.9063C>T on transcript NM_005560.6 (MANE Select); coding-DNA position 9063, C replaced by T.
Protein change: p.Thr3021=; no amino-acid change (threonine 3021 retained).
Molecular consequence: synonymous variant.
Genome position (GRCh38, 1-based): chr20:62,312,903, G>A on the plus strand (C>T on the coding strand, the complement: LAMA5 is on the minus strand). VCF-style: chr20-62312903-G-A. GRCh37 (hg19) VCF-style: chr20-60887959-G-A.
Other names: p.Thr3021=.
Identifiers: ClinVar variation 791484 (VCV000791484.16), dbSNP rs201833837, ClinGen allele CA9940449.

ClinVar aggregate classification (germline): Benign/Likely benign. Review status: criteria provided, multiple submitters, no conflicts (2 of 4 stars). 4 submissions from 4 submitters: Benign (3); Likely benign (1). Last evaluated 2026-01-26.

Allele frequency attached by ClinVar (database versions not stated): ESP Exome Variant Server 0.00008; gnomAD 0.00038; TOPMed 0.00076; 1000 Genomes Project 30x 0.00125; 1000 Genomes Project 0.00140.
gnomAD v4.1: 909 of 1,584,984 alleles (0.057%); highest among the groups gnomAD compares: Admixed American, 1.2%; 6 homozygotes.

Submissions (4):

Labcorp Genetics (formerly Invitae), Labcorp
Classification: Benign. Last evaluated: 2026-01-26. Review status: criteria provided, single submitter. Criteria: Invitae Variant Classification Sherloc (09022015). Collection method: clinical testing. Allele origin: germline.

CeGaT Center for Human Genetics Tuebingen
Classification: Likely benign. Last evaluated: 2026-01-01. Review status: criteria provided, single submitter. Criteria: CeGaT Center For Human Genetics Tuebingen Variant Classification Criteria Version 2. Collection method: clinical testing. Allele origin: germline. Affected: yes. Observed: 2 variant alleles.
Comment: LAMA5: BP4, BP7, BS1

Mayo Clinic Laboratories, Mayo Clinic
Classification: Benign. Last evaluated: 2024-12-17. Review status: criteria provided, single submitter. Criteria: ACMG Guidelines, 2015. Collection method: clinical testing. Allele origin: germline. Observed: 1 variant allele.
Comment: BS1, BS2, BP4, BP7

Breakthrough Genomics
Classification: Benign. Review status: criteria provided, single submitter. Criteria: ACMG Guidelines, 2015. Collection method: not provided. Allele origin: germline. Inheritance: Autosomal recessive inheritance. Affected: yes.